The following is an entry in ClinVar:

NM_000020.3(ACVRL1):c.1123_1161dup (p.Thr387_Asp388insTyrMetAlaProGluValLeuAspGluGlnIleArgThr)

Gene: ACVRL1 (activin A receptor like type 1; plus strand). Cytogenetic location: 12q13.13.
Variant type: Duplication.
Coding change: c.1123_1161dup on transcript NM_000020.3 (MANE Select); coding-DNA positions 1123 to 1161, 39 bases duplicated.
Protein change: p.Thr387_Asp388insTyrMetAlaProGluValLeuAspGluGlnIleArgThr.
Molecular consequence: inframe insertion. On other transcripts: inframe indel (9).
Genome position (GRCh38, 1-based): chr12:51,916,110-51,916,148, 39 bases duplicated; duplicating any 39 consecutive bases within chr12:51,916,109-51,916,148 gives the same sequence; the c. name uses the placement nearest the transcript's 3' end. GRCh37 (hg19): chr12:52,309,894-52,309,932.
Other names: c.1123_1161dup, p.Thr387_Asp388insTyrMetAlaProGluValLeuAspGluGlnIleArgThr (NM_001077401.2, NM_001406487.1, NM_001406488.1 and 1 more transcripts); c.811_849dup, p.Thr283_Asp284insTyrMetAlaProGluValLeuAspGluGlnIleArgThr (NM_001406490.1, NM_001406491.1, NM_001406492.1 and 1 more transcripts); c.559_597dup, p.Thr199_Asp200insTyrMetAlaProGluValLeuAspGluGlnIleArgThr (NM_001406495.1); c.1123_1161dupTACATGGCACCCGAGGTGCTGGACGAGCAGATCCGCACG (NM_000020.2).
Identifiers: ClinVar variation 1798299 (VCV001798299.2), dbSNP rs2540166446, ClinGen allele CA2580086498.
Genomic context (GRCh38, chr12:51,916,108, plus strand): 5'-TGCACTCACAGGGCAGCGATTACCTGGACATCGGCAACAACCCGAGAGTGGGCACCAAGC[G>GGTACATGGCACCCGAGGTGCTGGACGAGCAGATCCGCAC]GTACATGGCACCCGAGGTGCTGGACGAGCAGATCCGCACGGACTGCTTTGAGTCCTACAA-3'

ClinVar aggregate classification (germline): Uncertain significance (1 of 4 stars; one submission).

Conditions:
Cardiovascular phenotype. Identifiers: MedGen CN230736.

Submission:

Ambry Genetics
Classification: Uncertain significance for Cardiovascular phenotype. Last evaluated: 2020-11-24. Review status: criteria provided, single submitter. Criteria: Ambry Variant Classification Scheme 2023. Collection method: clinical testing. Allele origin: germline.
Comment: The c.1123_1161dup39 variant (also known as p.Y375_T387dup), located in coding exon 7 of the ACVRL1 gene, results from an in-frame duplication of 39 nucleotides at nucleotide positions 1123 to 1161. This results in the duplication of 13 extra residues (YMAPEVLDEQIRT) between codons 375 and 387. This amino acid region is well conserved in available vertebrate species. Since supporting evidence is limited at this time, the clinical significance of this alteration remains unclear.